The following is an entry in ClinVar:

NM_002693.3(POLG):c.2543_2544dup (p.Thr849fs)

Gene: POLG (DNA polymerase gamma, catalytic subunit; minus strand). Cytogenetic location: 15q26.1.
Variant type: Duplication.
Coding change: c.2543_2544dup on transcript NM_002693.3 (MANE Select); coding-DNA positions 2543 to 2544, 2 bases duplicated (GC; older notation c.2543_2544dupGC).
Protein change: p.Thr849fs; shifts the reading frame from threonine 849.
Molecular consequence: frameshift variant.
Genome position (GRCh38, 1-based): chr15:89,321,790-89,321,791, GC duplicated on the plus strand (GC on the coding strand, the reverse complement: POLG is on the minus strand). VCF-style (leftmost placement, unchanged base first): chr15-89321789-T-TGC. GRCh37 (hg19) VCF-style: chr15-89865020-T-TGC.
Other names: c.2543_2544dup, p.Thr849fs (NM_001126131.2); short protein forms T849fs.
Identifiers: ClinVar variation 619401 (VCV000619401.1), dbSNP rs1567187103, ClinGen allele CA10602231.

ClinVar aggregate classification (germline): Pathogenic (1 of 4 stars; one submission).

Conditions:
Progressive sclerosing poliodystrophy (MTDPS4A). Also called: Alpers-Huttenlocher Syndrome (AHS); Alpers Syndrome; ALPERS PROGRESSIVE INFANTILE POLIODYSTROPHY; Mitochondrial DNA depletion syndrome 4A (Alpers type); ALPERS DIFFUSE DEGENERATION OF CEREBRAL GRAY MATTER WITH HEPATIC CIRRHOSIS; Alpers-Huttenlocher Syndrome. Identifiers: Orphanet 726, MedGen C0205710, MONDO:0008758, OMIM 203700.

Submission:

Wong Mito Lab, Molecular and Human Genetics, Baylor College of Medicine
Classification: Pathogenic for Progressive sclerosing poliodystrophy. Last evaluated: 2018-10-01. Review status: criteria provided, single submitter. Criteria: ACMG Guidelines, 2015. Collection method: clinical testing. Allele origin: germline.
Comment: The NM_002693.2:c.2543_2544dup (NP_002684.1:p.Thr849AlafsTer23) [GRCH38: NC_000015.10:g.89321790_89321791dup] variant in POLG gene is interpretated to be a Pathogenic based on ACMG guidelines (PMID: 25741868). This variant meets the following evidence codes reported in the ACMG-guideline. PVS1:This variant is a predicted null variant in POLG where loss of function is a known mechanism of disease. PM2:This variant is absent in key population databases. PM3:Detected in trans with a pathogenic variant for Mitochondrial DNA depletion syndrome 4A (Alpers type) which is a recessive disorder. PM4:This variant causes alteration in the length of expressed protein. PP1:This variant is co-segregated with Mitochondrial DNA depletion syndrome 4A (Alpers type) in multiple affected family members. PP4:Patient's phenotype or family history is highly specific for POLG. Based on the evidence criteria codes applied, the variant is suggested to be Pathogenic.